The following is an entry in ClinVar:

ClinVar aggregate classification (germline): Uncertain significance. Review status: criteria provided, multiple submitters, no conflicts (2 of 4 stars). 2 submissions from 2 submitters: Uncertain significance (2). Last evaluated 2026-10-14.

Conditions:
Inborn genetic diseases. Identifiers: MedGen C0950123, MeSH D030342.

gnomAD v4.1: 2 of 1,613,044 alleles (0.00012%); highest among the groups gnomAD compares: Admixed American, 0.0033%; no homozygotes.

Submissions (2):

GeneDx
Classification: Uncertain significance. Last evaluated: 2026-10-14. Review status: criteria provided, single submitter. Criteria: GeneDx Variant Classification Process June 2021. Collection method: clinical testing. Allele origin: germline.
Comment: Not observed at significant frequency in large population cohorts (gnomAD); In silico analysis supports that this missense variant has a deleterious effect on protein structure/function; Has not been previously published as pathogenic or benign to our knowledge

Ambry Genetics
Classification: Uncertain significance for Inborn genetic diseases. Last evaluated: 2023-01-26. Review status: criteria provided, single submitter. Criteria: Ambry Variant Classification Scheme 2023. Collection method: clinical testing. Allele origin: germline.

NM_020436.5(SALL4):c.216C>G (p.His72Gln)

Gene: SALL4 (spalt like transcription factor 4; minus strand). Cytogenetic location: 20q13.2.
Variant type: single nucleotide variant.
Coding change: c.216C>G on transcript NM_020436.5 (MANE Select); coding-DNA position 216, C replaced by G.
Protein change: p.His72Gln; replaces histidine 72 with glutamine.
Molecular consequence: missense variant.
Genome position (GRCh38, 1-based): chr20:51,792,267, G>C on the plus strand (C>G on the coding strand, the complement: SALL4 is on the minus strand). VCF-style: chr20-51792267-G-C. GRCh37 (hg19) VCF-style: chr20-50408806-G-C.
Other names: c.216C>G, p.His72Gln (NM_001318031.2); short protein forms H72Q.
Identifiers: ClinVar variation 2479559 (VCV002479559.4), dbSNP rs138604469, ClinGen allele CA409017929.